The following is an entry in ClinVar:

NM_213653.4(HJV):c.-202G>A

Gene: HJV (hemojuvelin BMP co-receptor; minus strand). Cytogenetic location: 1q21.1.
Variant type: single nucleotide variant.
Coding change: c.-202G>A on transcript NM_213653.4 (MANE Select); 202 bases upstream of the start codon, G replaced by A.
Molecular consequence: 5 prime UTR variant.
Genome position (GRCh38, 1-based): chr1:146,021,699, C>T on the plus strand (G>A on the coding strand, the complement: HJV is on the minus strand). VCF-style: chr1-146021699-C-T. GRCh37 (hg19) VCF-style: chr1-145413314-G-A.
Other names: c.-357G>A (NM_001316767.2); c.-220G>A (NM_001379352.1); c.-355G>A (NM_145277.5); c.-171G>A (NM_202004.4); c.-134G>A (NM_213652.4).
Identifiers: ClinVar variation 874031 (VCV000874031.4), dbSNP rs142266220, ClinGen allele CA342146109.
Genomic context (GRCh38, chr1:146,021,699, plus strand): 5'-CCTACTCTGTGGGTCAGCTCCAGCCAGGGGGTCCTCCGTGTCTCCCCCAGGTCCCCAGGC[C>T]GGCTGCTGTCTCACTGAGGTCAGGGAACCAGAGAAGGTTTGGTATGGGGGGAAGGGGGAG-3'

ClinVar aggregate classification (germline): Benign (1 of 4 stars; one submission).

Conditions:
Hemochromatosis type 2A (HFE2A). Also called: Adult-Onset Hemochromatosis; HJV (HFE2)-Related Juvenile Hemochromatosis. Identifiers: Orphanet 79230, MedGen C1865614, MONDO:0011216, OMIM 602390.

Allele frequency attached by ClinVar (database versions not stated): gnomAD 0.00034 and 0.00051; TOPMed 0.00091; 1000 Genomes Project 30x 0.00281; 1000 Genomes Project 0.00319.

Submission:

Illumina Laboratory Services, Illumina
Classification: Benign for Hemochromatosis type 2A. Last evaluated: 2017-04-27. Review status: criteria provided, single submitter. Criteria: ICSL Variant Classification Criteria 13 December 2019. Collection method: clinical testing. Allele origin: germline.
Comment: This variant was observed as part of a predisposition screen in an ostensibly healthy population. A literature search was performed for the gene, cDNA change, and amino acid change (where applicable). Publications were found based on this search. The evidence from the literature, in combination with allele frequency data from public databases where available, was sufficient to rule this variant out of causing disease. Therefore, this variant is classified as benign.

Literature cited by the submitters: PubMed 17726683.